The following is an entry in ClinVar:

NM_015164.4(PLEKHM2):c.1849G>T (p.Gly617Trp)

Gene: PLEKHM2 (pleckstrin homology and RUN domain containing M2; plus strand). Cytogenetic location: 1p36.21.
Variant type: single nucleotide variant.
Coding change: c.1849G>T on transcript NM_015164.4 (MANE Select); coding-DNA position 1849, G replaced by T.
Protein change: p.Gly617Trp; replaces glycine 617 with tryptophan.
Molecular consequence: missense variant.
Genome position (GRCh38, 1-based): chr1:15,728,285, G>T. VCF-style: chr1-15728285-G-T. GRCh37 (hg19) VCF-style: chr1-16054780-G-T.
Other names: c.1789G>T, p.Gly597Trp (NM_001410755.1); short protein forms G597W, G617W.
Identifiers: ClinVar variation 2090031 (VCV002090031.4), dbSNP rs746131818, ClinGen allele CA338589840.

ClinVar aggregate classification (germline): Uncertain significance (1 of 4 stars; one submission).

gnomAD v4.1: 1 of 1,613,278 alleles (0.000062%); highest among the groups gnomAD compares: Non-Finnish European, 0.000085%; no homozygotes.

Submission:

Labcorp Genetics (formerly Invitae), Labcorp
Classification: Uncertain significance. Last evaluated: 2022-03-30. Review status: criteria provided, single submitter. Criteria: Invitae Variant Classification Sherloc (09022015). Collection method: clinical testing. Allele origin: germline.
Comment: Algorithms developed to predict the effect of missense changes on protein structure and function are either unavailable or do not agree on the potential impact of this missense change (SIFT: "Deleterious"; PolyPhen-2: "Probably Damaging"; Align-GVGD: "Class C15"). In summary, the available evidence is currently insufficient to determine the role of this variant in disease. Therefore, it has been classified as a Variant of Uncertain Significance. This variant has not been reported in the literature in individuals affected with PLEKHM2-related conditions. This variant is not present in population databases (gnomAD no frequency). This sequence change replaces glycine, which is neutral and non-polar, with tryptophan, which is neutral and slightly polar, at codon 617 of the PLEKHM2 protein (p.Gly617Trp).